The following is an entry in ClinVar:

NM_012062.5(DNM1L):c.1721_1735dup (p.Gly578_Asp579insGlyGlyGlyValGly)

Gene: DNM1L (dynamin 1 like; plus strand). Cytogenetic location: 12p11.21.
Variant type: Duplication.
Coding change: c.1721_1735dup on transcript NM_012062.5 (MANE Select); coding-DNA positions 1721 to 1735, 15 bases duplicated (GTGGTGGGGTTGGAG).
Protein change: p.Gly578_Asp579insGlyGlyGlyValGly.
Molecular consequence: inframe insertion.
Genome position (GRCh38, 1-based): chr12:32,740,077-32,740,091, GTGGTGGGGTTGGAG duplicated; duplicating any 15 consecutive bases within chr12:32,740,072-32,740,091 gives the same sequence; the c. name uses the placement nearest the transcript's 3' end. VCF-style (leftmost placement, unchanged base first): chr12-32740071-C-CTGGAGGTGGTGGGGT. GRCh37 (hg19) VCF-style: chr12-32893005-C-CTGGAGGTGGTGGGGT.
Other names: c.1688_1702dup, p.Gly567_Asp568insGlyGlyGlyValGly (NM_001278463.2); c.1760_1774dup, p.Gly591_Asp592insGlyGlyGlyValGly (NM_001278464.2); c.1727_1741dup, p.Gly580_Asp581insGlyGlyGlyValGly (NM_001278465.2); c.1112_1126dup, p.Gly375_Asp376insGlyGlyGlyValGly (NM_001278466.2); c.1649_1663dup, p.Gly554_Asp555insGlyGlyGlyValGly (NM_001330380.2); c.1610_1624dup, p.Gly541_Asp542insGlyGlyGlyValGly (NM_005690.5); c.1643_1657dup, p.Gly552_Asp553insGlyGlyGlyValGly (NM_012063.4).
Identifiers: ClinVar variation 2022891 (VCV002022891.4), dbSNP rs2541121007, ClinGen allele CA2580085382.
Genomic context (GRCh38, chr12:32,740,071, plus strand): 5'-TAGTTAAGGTCAGATATGATGTGGTTGGTATGTTTTGGAACATGTTTTTTCAGGTTGCAT[C>CTGGAGGTGGTGGGGT]TGGAGGTGGTGGGGTTGGAGATGGTGTTCAAGAACCAACCACAGGCAACTGGAGAGGAAT-3'

ClinVar aggregate classification (germline): Uncertain significance (1 of 4 stars; one submission).

Submission:

Labcorp Genetics (formerly Invitae), Labcorp
Classification: Uncertain significance. Last evaluated: 2026-02-02. Review status: criteria provided, single submitter. Criteria: Invitae Variant Classification Sherloc (09022015). Collection method: clinical testing. Allele origin: germline.
Comment: This variant, c.1721_1735dup, results in the insertion of 5 amino acid(s) of the DNM1L protein (p.Gly574_Gly578dup), but otherwise preserves the integrity of the reading frame. This variant is not present in population databases (gnomAD no frequency). This variant has not been reported in the literature in individuals affected with DNM1L-related conditions. ClinVar contains an entry for this variant (Variation ID: 2022891). In summary, the available evidence is currently insufficient to determine the role of this variant in disease. Therefore, it has been classified as a Variant of Uncertain Significance.